The following is an entry in ClinVar:

ClinVar aggregate classification (germline): Uncertain significance (1 of 4 stars; one submission).

Conditions:
Leber congenital amaurosis 3 (LCA3). Also called: SPATA7-Related Retinitis Pigmentosa. Identifiers: MedGen C1858677, MONDO:0011415, OMIM 604232.

Allele frequency attached by ClinVar (database versions not stated): TOPMed below 0.00001.

Submission:

Labcorp Genetics (formerly Invitae), Labcorp
Classification: Uncertain significance for Leber congenital amaurosis 3. Last evaluated: 2024-09-06. Review status: criteria provided, single submitter. Criteria: Invitae Variant Classification Sherloc (09022015). Collection method: clinical testing. Allele origin: germline.
Comment: This sequence change falls in intron 2 of the SPATA7 gene. It does not directly change the encoded amino acid sequence of the SPATA7 protein. It affects a nucleotide within the consensus splice site. This variant is not present in population databases (gnomAD no frequency). This variant has not been reported in the literature in individuals affected with SPATA7-related conditions. ClinVar contains an entry for this variant (Variation ID: 2008232). Variants that disrupt the consensus splice site are a relatively common cause of aberrant splicing (PMID: 17576681, 9536098). Algorithms developed to predict the effect of sequence changes on RNA splicing suggest that this variant may disrupt the consensus splice site. In summary, the available evidence is currently insufficient to determine the role of this variant in disease. Therefore, it has been classified as a Variant of Uncertain Significance.

Literature cited by the submitters: PubMed 17576681; PubMed 9536098.

NM_018418.5(SPATA7):c.94+5G>T

Gene: SPATA7 (spermatogenesis associated 7; plus strand). Cytogenetic location: 14q31.3.
Variant type: single nucleotide variant.
Coding change: c.94+5G>T on transcript NM_018418.5 (MANE Select); 5 bases into the intron after coding-DNA position 94, G replaced by T.
Molecular consequence: intron variant.
Genome position (GRCh38, 1-based): chr14:88,391,460, G>T. VCF-style: chr14-88391460-G-T. GRCh37 (hg19) VCF-style: chr14-88857804-G-T.
Other names: c.94+5G>T (NM_001040428.4).
Identifiers: ClinVar variation 2008232 (VCV002008232.4), dbSNP rs371618316, ClinGen allele CA264505055.